The following is an entry in ClinVar:

ClinVar aggregate classification (germline): Pathogenic (1 of 4 stars; one submission).

Conditions:
Intellectual developmental disorder 62. Also called: INTELLECTUAL DEVELOPMENTAL DISORDER, AUTOSOMAL DOMINANT 62; MENTAL RETARDATION, AUTOSOMAL DOMINANT 62. Identifiers: MedGen C5394083, MONDO:0032919, OMIM 618793.

Submission:

Victorian Clinical Genetics Services, Murdoch Childrens Research Institute
Classification: Pathogenic for Intellectual developmental disorder 62. Last evaluated: 2024-10-08. Review status: criteria provided, single submitter. Criteria: ACMG Guidelines, 2015. Collection method: clinical testing. Allele origin: germline. Inheritance: Autosomal dominant inheritance. Affected: yes.
Comment: Based on the classification scheme VCGS_Germline_v1.3.4, this variant is classified as Pathogenic. Following criteria are met: 0102 - Loss of function is a known mechanism of disease in this gene and is associated with intellectual developmental disorder 62 (MIM#618793). (I) 0107 - This gene is associated with autosomal dominant disease. (I) 0201 - Variant is predicted to cause nonsense-mediated decay (NMD) and loss of protein (premature termination codon is located at least 54 nucleotides upstream of the final exon-exon junction). (SP) 0251 - This variant is heterozygous. (I) 0301 - Variant is absent from gnomAD (both v2 and v3). (SP) 0701 - Other NMD-predicted variants comparable to the one identified in this case have very strong previous evidence for pathogenicity. Many NMD-predicted variants have previously been reported as pathogenic (DECIPHER). (SP) 0807 - This variant has no previous evidence of pathogenicity. (I) 0905 - No published segregation evidence has been identified for this variant. (I) 1007 - No published functional evidence has been identified for this variant. (SP) Legend: (SP) - Supporting pathogenic, (I) - Information, (SB) - Supporting benign

NM_001321075.1(DLG4):c.1869dupG

Gene: DLG4 (discs large MAGUK scaffold protein 4; minus strand). Cytogenetic location: 17p13.1.
Variant type: Duplication.
Coding change: c.1869dupG on transcript NM_001321075.1; coding-DNA position 1869, one base duplicated (G).
Genome position (GRCh38, 1-based): chr17:7,192,000, C duplicated on the plus strand (G on the coding strand, the reverse complement: DLG4 is on the minus strand); the first of 4 consecutive C bases (chr17:7,192,000-7,192,003); duplicating any one gives the same sequence. VCF-style (leftmost placement, unchanged base first): chr17-7191999-T-TC. GRCh37 (hg19) VCF-style: chr17-7095318-T-TC.
Identifiers: ClinVar variation 3377252 (VCV003377252.1).